The following is an entry in ClinVar:

NM_020937.4(FANCM):c.479T>A (p.Ile160Asn)

Gene: FANCM (FA complementation group M; plus strand). Cytogenetic location: 14q21.2.
Variant type: single nucleotide variant.
Coding change: c.479T>A on transcript NM_020937.4 (MANE Select); coding-DNA position 479, T replaced by A.
Protein change: p.Ile160Asn; replaces isoleucine 160 with asparagine.
Molecular consequence: missense variant.
Genome position (GRCh38, 1-based): chr14:45,136,510, T>A. VCF-style: chr14-45136510-T-A. GRCh37 (hg19) VCF-style: chr14-45605713-T-A.
Other names: c.479T>A, p.Ile160Asn (NM_001308133.2, NM_001308134.2); short protein forms I160N.
Identifiers: ClinVar variation 1042293 (VCV001042293.9), dbSNP rs781618421, ClinGen allele CA7168769.

ClinVar aggregate classification (germline): Uncertain significance. Review status: criteria provided, multiple submitters, no conflicts (2 of 4 stars). 2 submissions from 2 submitters: Uncertain significance (2). Last evaluated 2024-07-12.

Conditions:
Fanconi anemia (FA). Also called: Fanconi's anemia. Identifiers: Orphanet 84, MedGen C0015625, MeSH D005199, MONDO:0019391.
Spermatogenic failure 28. Identifiers: MedGen C4748117, MONDO:0054732, OMIM 618086.
Premature ovarian failure 15. Identifiers: MedGen C4748170, MONDO:0054862, OMIM 618096.

Allele frequency attached by ClinVar (database versions not stated): ExAC 0.00001; gnomAD exomes 0.00001; TOPMed 0.00001.
gnomAD v4.1: 5 of 1,614,044 alleles (0.00031%); highest among the groups gnomAD compares: Admixed American, 0.0033%; no homozygotes.

Submissions (2):

Labcorp Genetics (formerly Invitae), Labcorp
Classification: Uncertain significance for Fanconi anemia. Last evaluated: 2024-07-12. Review status: criteria provided, single submitter. Criteria: Invitae Variant Classification Sherloc (09022015). Collection method: clinical testing. Allele origin: germline.
Comment: This sequence change replaces isoleucine, which is neutral and non-polar, with asparagine, which is neutral and polar, at codon 160 of the FANCM protein (p.Ile160Asn). This variant is present in population databases (rs781618421, gnomAD 0.006%). This variant has not been reported in the literature in individuals affected with FANCM-related conditions. ClinVar contains an entry for this variant (Variation ID: 1042293). An algorithm developed to predict the effect of missense changes on protein structure and function (PolyPhen-2) suggests that this variant is likely to be disruptive. In summary, the available evidence is currently insufficient to determine the role of this variant in disease. Therefore, it has been classified as a Variant of Uncertain Significance.

Fulgent Genetics
Classification: Uncertain significance for Spermatogenic failure 28; Premature ovarian failure 15. Last evaluated: 2021-10-16. Review status: criteria provided, single submitter. Criteria: ACMG Guidelines, 2015. Collection method: clinical testing. Allele origin: unknown.